The following is an entry in ClinVar:

ClinVar aggregate classification (germline): Pathogenic (1 of 4 stars; one submission).

Conditions:
Inborn genetic diseases. Identifiers: MedGen C0950123, MeSH D030342.

Submission:

Ambry Genetics
Classification: Pathogenic for Inborn genetic diseases. Last evaluated: 2025-07-16. Review status: criteria provided, single submitter. Criteria: Ambry Variant Classification Scheme 2023. Collection method: clinical testing. Allele origin: germline.
Comment: The c.1177_1180delGAAA (p.E393Ffs*22) alteration, located in exon 13 (coding exon 11) of the TBL1XR1 gene, consists of a deletion of 4 nucleotides from position 1177 to 1180, causing a translational frameshift with a predicted alternate stop codon after 22 amino acids. This changes the amino acid from a glutamic acid (E) to a phenylalanine (F) at amino acid position 393. This alteration is expected to result in loss of function by premature protein truncation or nonsense-mediated mRNA decay. for TBL1XR1-related neurodevelopmental disorder; however, its clinical significance for Pierpont syndrome is uncertain. This variant was not reported in population-based cohorts in the Genome Aggregation Database (gnomAD). Based on the available evidence, this alteration is classified as pathogenic.

NM_024665.7(TBL1XR1):c.1177_1180del (p.Glu393fs)

Gene: TBL1XR1 (TBL1X/Y related 1; minus strand). Cytogenetic location: 3q26.32.
Variant type: Deletion.
Coding change: c.1177_1180del on transcript NM_024665.7 (MANE Select); coding-DNA positions 1177 to 1180, 4 bases deleted (GAAA; older notation c.1177_1180delGAAA).
Protein change: p.Glu393fs; shifts the reading frame from glutamic acid 393.
Molecular consequence: frameshift variant.
Genome position (GRCh38, 1-based): chr3:177,034,268-177,034,271, TTTC deleted on the plus strand (GAAA on the coding strand, the reverse complement: TBL1XR1 is on the minus strand); deleting any 4 consecutive bases within chr3:177,034,268-177,034,274 gives the same sequence; the c. name uses the placement nearest the transcript's 3' end. VCF-style (leftmost placement, unchanged base first): chr3-177034267-ATTTC-A. GRCh37 (hg19) VCF-style: chr3-176752055-ATTTC-A.
Other names: c.1177_1180del, p.Glu393fs (NM_001321193.3, NM_001321194.3, NM_001374327.1 and 2 more transcripts); c.916_919del, p.Glu306fs (NM_001321195.3, NM_001374330.1); short protein forms E306fs, E393fs.
Identifiers: ClinVar variation 4181127 (VCV004181127.1).